The following is an entry in ClinVar:

NM_000742.4(CHRNA2):c.815T>A (p.Leu272His)

Gene: CHRNA2 (cholinergic receptor nicotinic alpha 2 subunit; minus strand). Cytogenetic location: 8p21.2.
Variant type: single nucleotide variant.
Coding change: c.815T>A on transcript NM_000742.4 (MANE Select); coding-DNA position 815, T replaced by A.
Protein change: p.Leu272His; replaces leucine 272 with histidine.
Molecular consequence: missense variant.
Genome position (GRCh38, 1-based): chr8:27,463,628, A>T on the plus strand (T>A on the coding strand, the complement: CHRNA2 is on the minus strand). VCF-style: chr8-27463628-A-T. GRCh37 (hg19) VCF-style: chr8-27321145-A-T.
Other names: c.770T>A, p.Leu257His (NM_001282455.2); c.338T>A, p.Leu113His (NM_001347705.2, NM_001347706.2); c.221T>A, p.Leu74His (NM_001347707.2, NM_001347708.2); short protein forms L113H, L257H, L272H, L74H.
Identifiers: ClinVar variation 3234723 (VCV003234723.20), dbSNP rs2490540044, ClinGen allele CA370810611.

ClinVar aggregate classification (germline): Uncertain significance (1 of 4 stars; one submission).

Submission:

CeGaT Center for Human Genetics Tuebingen
Classification: Uncertain significance. Last evaluated: 2024-04-01. Review status: criteria provided, single submitter. Criteria: CeGaT Center For Human Genetics Tuebingen Variant Classification Criteria Version 2. Collection method: clinical testing. Allele origin: germline. Affected: yes. Observed: 1 variant allele.
Comment: CHRNA2: PM2, PP3